The following is an entry in ClinVar:

NM_181882.3(PRX):c.381+18G>A

Gene: PRX (periaxin; minus strand). Cytogenetic location: 19q13.2.
Variant type: single nucleotide variant.
Coding change: c.381+18G>A on transcript NM_181882.3 (MANE Select); 18 bases into the intron after coding-DNA position 381, G replaced by A.
Molecular consequence: intron variant. On other transcripts: synonymous variant (1).
Genome position (GRCh38, 1-based): chr19:40,398,602, C>T on the plus strand (G>A on the coding strand, the complement: PRX is on the minus strand). VCF-style: chr19-40398602-C-T. GRCh37 (hg19) VCF-style: chr19-40904509-C-T.
Other names: c.399G>A, p.Pro133= (NM_020956.2).
Identifiers: ClinVar variation 386662 (VCV000386662.12), dbSNP rs147585269, ClinGen allele CA9444492.

ClinVar aggregate classification (germline): Benign/Likely benign. Review status: criteria provided, multiple submitters, no conflicts (2 of 4 stars). 4 submissions from 4 submitters: Benign (1); Likely benign (2). 1 of the submissions does not count toward it. Last evaluated 2026-01-19.

Conditions:
PRX-related disorder. Also called: PRX-related condition; PRX-Related Disorders.
Charcot-Marie-Tooth disease type 4. Also called: Charcot-Marie-Tooth disease, type IV; Charcot-Marie-Tooth, Type 4. Identifiers: Orphanet 64749, MedGen C4082197, MONDO:0018995.

Allele frequency attached by ClinVar (database versions not stated): gnomAD exomes 0.00012; ExAC 0.00014; ESP Exome Variant Server 0.00038; gnomAD 0.00044 and 0.00046; TOPMed 0.00057; 1000 Genomes Project 0.00100; 1000 Genomes Project 30x 0.00109.
gnomAD v4.1: 148 of 1,612,030 alleles (0.0092%); highest among the groups gnomAD compares: African/African-American, 0.18%; 1 homozygote.

Submissions (4):

Labcorp Genetics (formerly Invitae), Labcorp
Classification: Benign for Charcot-Marie-Tooth disease type 4. Last evaluated: 2026-01-19. Review status: criteria provided, single submitter. Criteria: Invitae Variant Classification Sherloc (09022015). Collection method: clinical testing. Allele origin: germline.

GeneDx
Classification: Likely benign. Last evaluated: 2017-07-10. Review status: criteria provided, single submitter. Criteria: GeneDx Variant Classification (06012015). Collection method: clinical testing. Allele origin: germline. Affected: yes.
Comment: This variant is considered likely benign or benign based on one or more of the following criteria: it is a conservative change, it occurs at a poorly conserved position in the protein, it is predicted to be benign by multiple in silico algorithms, and/or has population frequency not consistent with disease.

Breakthrough Genomics
Classification: Likely benign. Review status: criteria provided, single submitter. Criteria: ACMG Guidelines, 2015. Collection method: not provided. Allele origin: germline. Inheritance: Autosomal recessive inheritance. Affected: yes.

PreventionGenetics, part of Exact Sciences
Classification: Likely benign for PRX-related condition. Last evaluated: 2019-08-01. Review status: no assertion criteria provided. Collection method: clinical testing. Allele origin: germline. Not counted in ClinVar's aggregate classification.
Comment: This variant is classified as likely benign based on ACMG/AMP sequence variant interpretation guidelines (Richards et al. 2015 PMID: 25741868, with internal and published modifications).